The following is an entry in ClinVar:

NC_012920.1(MT-ND5):m.13288G>A

Gene: MT-ND5 (mitochondrially encoded NADH dehydrogenase 5; plus strand).
Variant type: single nucleotide variant.
Genome position: chrM-13288-G-A.
Identifiers: ClinVar variation 693543 (VCV000693543.1), dbSNP rs1603224132, ClinGen allele CA414817316.
Genomic context (GRCh38, chrMT:13,288, plus strand): 5'-ATCAAAAAAATCGTAGCCTTCTCCACTTCAAGTCAACTAGGACTCATAATAGTTACAATC[G>A]GCATCAACCAACCACACCTAGCATTCCTGCACATCTGTACCCACGCCTTCTTCAAAGCCA-3'

ClinVar aggregate classification (germline): Uncertain significance (1 of 4 stars; one submission).

Conditions:
Leigh syndrome (NULS). Also called: Leigh's necrotizing encephalopathy; Leigh's disease; Leigh Syndrome (mtDNA deletion); Leigh Disease; Subacute necrotizing encephalopathy; Necrotizing encephalopathy infantile subacute of Leigh. Identifiers: Orphanet 506, MedGen C2931891, MONDO:0009723, OMIM 256000.

Submission:

Wong Mito Lab, Molecular and Human Genetics, Baylor College of Medicine
Classification: Uncertain significance for Leigh syndrome. Last evaluated: 2019-10-17. Review status: criteria provided, single submitter. Criteria: Modified ACMG Guidelines (Unpublished). Collection method: clinical testing. Allele origin: germline.
Comment: The NC_012920.1:m.13288G>A (YP_003024036.1:p.Gly318Ser) variant in MTND5 gene is interpretated to be a Uncertain Significance variant based on the modified ACMG guidelines (unpublished). This variant meets the following evidence codes: PP7